The following is an entry in ClinVar:

ClinVar aggregate classification (germline): Likely pathogenic. Review status: reviewed by expert panel (3 of 4 stars). 2 submissions from 2 submitters: Likely pathogenic (1). 1 of the submissions does not count toward it. Last evaluated 2026-02-03.

Conditions:
Glycogen storage disease, type II (IOPD). Also called: CARDIOMEGALIA GLYCOGENICA DIFFUSA; GLYCOGENOSIS, GENERALIZED, CARDIAC FORM; GSD II; POMPE DISEASE, INFANTILE-ONSET; GLYCOGEN STORAGE DISEASE II, INFANTILE-ONSET; ACID ALPHA-GLUCOSIDASE DEFICIENCY, INFANTILE-ONSET. Identifiers: Orphanet 365, MedGen C0017921, MONDO:0009290, OMIM 232300.

Submissions (2):

ClinGen Lysosomal Storage Disorder Variant Curation Expert Panel
Classification: Likely pathogenic for Glycogen storage disease, type II. Last evaluated: 2026-02-03. Review status: reviewed by expert panel. Criteria: clingen_lsd_acmg_specifications_v2-1. Collection method: curation. Allele origin: germline. Inheritance: Autosomal recessive inheritance.
Comment: The NM_000152.5(GAA):c.2040+1G>C variant in GAA occurs within the canonical splice donor site of intron 14. It is predicted to cause skipping of biologically-relevant-exon 14/20, resulting in a frameshift leading to nonsense mediated decay in a gene in which loss-of-function is an established disease mechanism (PVS1). Additionally, the computational splicing predictor SpliceAI gives a score of 0.91 for donor loss, predicting that the variant disrupts the donor splice site of intron 14 of GAA. A nucleotide change at the same position, c.2040+1G>T (ClinVar Variation ID 370998), is classified as pathogenic for Pompe disease by the ClinGen Lysosomal Diseases VCEP (ClinVar SCV007127683.1) (PS1_Supporting). This variant is absent in gnomAD v4.1.0. (PM2_Supporting). There is a ClinVar entry for this variant (Variation ID: 1434322). While this variant meets the criteria for a classification of pathogenic, the ClinGen LD VCEP modified the classification to likely pathogenic due to the lack of case-level data. In summary, this variant has been classified as Likely Pathogenic for Pompe disease. GAA-specific ACMG/AMP criteria met, based on the specifications of the ClinGen Lysosomal Diseases Variant Curation Expert Panel (Specifications Version 2.0): PVS1, PM2_Supporting, PS1_Supporting (classification modified to likely pathogenic). (Classification approved by the ClinGen Lysosomal Diseases Variant Curation Expert Panel on Feb 3, 2026)

Labcorp Genetics (formerly Invitae), Labcorp
Classification: Pathogenic for Glycogen storage disease, type II. Last evaluated: 2021-05-29. Review status: criteria provided, single submitter. Criteria: Invitae Variant Classification Sherloc (09022015). Collection method: clinical testing. Allele origin: germline. Not counted in ClinVar's aggregate classification.
Comment: For these reasons, this variant has been classified as Pathogenic. Algorithms developed to predict the effect of sequence changes on RNA splicing suggest that this variant may disrupt the consensus splice site, but this prediction has not been confirmed by published transcriptional studies. Disruption of this splice site has been observed in individual(s) affected with GAA-related conditions (PMID: 21926084, 27183828). This variant is not present in population databases (ExAC no frequency). This sequence change affects a donor splice site in intron 14 of the GAA gene. It is expected to disrupt RNA splicing. Variants that disrupt the donor or acceptor splice site typically lead to a loss of protein function (PMID: 16199547), and loss-of-function variants in GAA are known to be pathogenic (PMID: 18425781, 22252923).

Literature cited by the submitters: PubMed 21926084 (cited by Labcorp Genetics (formerly Invitae), Labcorp); PubMed 27183828 (cited by Labcorp Genetics (formerly Invitae), Labcorp); PubMed 16199547 (cited by Labcorp Genetics (formerly Invitae), Labcorp); PubMed 18425781 (cited by Labcorp Genetics (formerly Invitae), Labcorp); PubMed 22252923 (cited by Labcorp Genetics (formerly Invitae), Labcorp).

NM_000152.5(GAA):c.2040+1G>C

Gene: GAA (alpha glucosidase; plus strand). Cytogenetic location: 17q25.3.
Variant type: single nucleotide variant.
Coding change: c.2040+1G>C on transcript NM_000152.5 (MANE Select); the canonical splice donor site of the intron after coding-DNA position 2040, G replaced by C.
Molecular consequence: splice donor variant.
Genome position (GRCh38, 1-based): chr17:80,113,028, G>C. VCF-style: chr17-80113028-G-C. GRCh37 (hg19) VCF-style: chr17-78086827-G-C.
Other names: c.2040+1G>C (NM_001406741.1, NM_001406742.1, NM_001079803.3 and 1 more transcripts).
Identifiers: ClinVar variation 1434322 (VCV001434322.9), dbSNP rs1057516928, ClinGen allele CA401370207.
Genomic context (GRCh38, chr17:80,113,028, plus strand): 5'-TGGACCCAGCTGGGGGCCTTCTACCCCTTCATGCGGAACCACAACAGCCTGCTCAGTCTG[G>C]TAGGGTGGGGGTGGCGGCATGGCAGGTGGGCGATCCCACCCACCCAAGACTCTCCCCTGG-3'